The following is an entry in ClinVar:

ClinVar aggregate classification (germline): Uncertain significance (1 of 4 stars; one submission).

Conditions:
Inborn genetic diseases. Identifiers: MedGen C0950123, MeSH D030342.

Submission:

Ambry Genetics
Classification: Uncertain significance for Inborn genetic diseases. Last evaluated: 2025-03-20. Review status: criteria provided, single submitter. Criteria: Ambry Variant Classification Scheme 2023. Collection method: clinical testing. Allele origin: germline.
Comment: The p.R1012G variant (also known as c.3034A>G), located in coding exon 24 of the ANKRD26 gene, results from an A to G substitution at nucleotide position 3034. The arginine at codon 1012 is replaced by glycine, an amino acid with dissimilar properties. This amino acid position is conserved. In addition, this alteration is predicted to be tolerated by in silico analysis. Based on the available evidence, the clinical significance of this variant remains unclear.

NM_014915.3(ANKRD26):c.3034A>G (p.Arg1012Gly)

Gene: ANKRD26 (ankyrin repeat domain containing 26; minus strand). Cytogenetic location: 10p12.1.
Variant type: single nucleotide variant.
Coding change: c.3034A>G on transcript NM_014915.3 (MANE Select); coding-DNA position 3034, A replaced by G.
Protein change: p.Arg1012Gly; replaces arginine 1012 with glycine.
Molecular consequence: missense variant.
Genome position (GRCh38, 1-based): chr10:27,035,416, T>C on the plus strand (A>G on the coding strand, the complement: ANKRD26 is on the minus strand). VCF-style: chr10-27035416-T-C. GRCh37 (hg19) VCF-style: chr10-27324345-T-C.
Other names: c.3031A>G, p.Arg1011Gly (NM_001256053.2); short protein forms R1011G, R1012G.
Identifiers: ClinVar variation 3913031 (VCV003913031.1).